The following is an entry in ClinVar:

ClinVar aggregate classification (germline): Likely pathogenic. Review status: criteria provided, multiple submitters, no conflicts (2 of 4 stars). 2 submissions from 2 submitters: Likely pathogenic (2). Last evaluated 2024-03-18.

Conditions:
Glycogen storage disease, type VII (GSD7). Also called: GSD VII; MUSCLE PHOSPHOFRUCTOKINASE DEFICIENCY; PFKM DEFICIENCY; TARUI DISEASE. Identifiers: Orphanet 371, MedGen C0017926, MONDO:0009295, OMIM 232800.

Submissions (2):

Labcorp Genetics (formerly Invitae), Labcorp
Classification: Likely pathogenic for Glycogen storage disease, type VII. Last evaluated: 2024-03-18. Review status: criteria provided, single submitter. Criteria: Invitae Variant Classification Sherloc (09022015). Collection method: clinical testing. Allele origin: germline.
Comment: This sequence change affects a donor splice site in intron 15 of the PFKM gene. It is expected to disrupt RNA splicing. Variants that disrupt the donor or acceptor splice site typically lead to a loss of protein function (PMID: 16199547), and loss-of-function variants in PFKM are known to be pathogenic (PMID: 7825568, 8037209). This variant is not present in population databases (gnomAD no frequency). This variant has not been reported in the literature in individuals affected with PFKM-related conditions. ClinVar contains an entry for this variant (Variation ID: 2417622). Algorithms developed to predict the effect of sequence changes on RNA splicing suggest that this variant may disrupt the consensus splice site. In summary, the currently available evidence indicates that the variant is pathogenic, but additional data are needed to prove that conclusively. Therefore, this variant has been classified as Likely Pathogenic.

Fulgent Genetics
Classification: Likely pathogenic for Glycogen storage disease, type VII. Last evaluated: 2024-03-04. Review status: criteria provided, single submitter. Criteria: ACMG Guidelines, 2015. Collection method: clinical testing. Allele origin: germline.

Literature cited by the submitters: PubMed 16199547 (cited by Labcorp Genetics (formerly Invitae), Labcorp); PubMed 7825568 (cited by Labcorp Genetics (formerly Invitae), Labcorp); PubMed 8037209 (cited by Labcorp Genetics (formerly Invitae), Labcorp).

NM_000289.6(PFKM):c.1412+1G>T

Gene: PFKM (phosphofructokinase, muscle; plus strand). Cytogenetic location: 12q13.11.
Variant type: single nucleotide variant.
Coding change: c.1412+1G>T on transcript NM_000289.6 (MANE Select); the canonical splice donor site of the intron after coding-DNA position 1412, G replaced by T.
Molecular consequence: splice donor variant.
Genome position (GRCh38, 1-based): chr12:48,141,382, G>T. VCF-style: chr12-48141382-G-T. GRCh37 (hg19) VCF-style: chr12-48535165-G-T.
Other names: c.1436+1G>T (NM_001354741.2); c.1412+1G>T (NM_001354742.2, NM_001354743.2, NM_001354744.2 and 2 more transcripts); c.1262+1G>T (NM_001354747.2, NM_001354748.2); c.1625+1G>T (NM_001166686.2, NM_001354737.1, NM_001354739.1 and 1 more transcripts); c.1721+1G>T (NM_001354736.1, NM_001354735.1); c.1556+1G>T (NM_001354740.1); c.1325+1G>T (NM_001354745.2); c.1286+1G>T (NM_001354746.2); and 1 more.
Identifiers: ClinVar variation 2417622 (VCV002417622.8), dbSNP rs1950563032, ClinGen allele CA384551467.